The following is an entry in ClinVar:

NM_018474.6(KIZ):c.1612+2T>G

Genes: KIZ (kizuna centrosomal protein; plus strand), KIZ-AS1 (KIZ antisense RNA 1; minus strand). Cytogenetic location: 20p11.23.
Variant type: single nucleotide variant.
Coding change: c.1612+2T>G on transcript NM_018474.6 (MANE Select); the canonical splice donor site of the intron after coding-DNA position 1612, T replaced by G.
Molecular consequence: splice donor variant.
Genome position (GRCh38, 1-based): chr20:21,214,702, T>G. VCF-style: chr20-21214702-T-G. GRCh37 (hg19) VCF-style: chr20-21195340-T-G.
Other names: c.1303+2T>G (NM_001163022.3); c.1249+2T>G (NM_001352435.2); c.1213+2T>G (NM_001163023.3); c.1465+2T>G (NM_001276389.2); c.1270+2T>G (NM_001352436.2); c.1558+2T>G (NM_001352434.2); c.1612+2T>G (NM_018474.5).
Identifiers: ClinVar variation 1028115 (VCV001028115.11), dbSNP rs750369135, ClinGen allele CA9784911.

ClinVar aggregate classification (germline): Likely pathogenic. Review status: criteria provided, multiple submitters, no conflicts (2 of 4 stars). 4 submissions from 4 submitters: Likely pathogenic (4). Last evaluated 2025-10-12.

Conditions:
KIZ-related disorder. Also called: KIZ-related condition.
Retinitis pigmentosa 69 (RP69). Identifiers: Orphanet 791, MedGen C4014312, MONDO:0014345, OMIM 615780.

Allele frequency attached by ClinVar (database versions not stated): gnomAD 0.00009; TOPMed 0.00012; ExAC 0.00015; gnomAD exomes 0.00022.
gnomAD v4.1: 90 of 1,605,978 alleles (0.0056%); highest among the groups gnomAD compares: Admixed American, 0.11%; 1 homozygote.

Submissions (4):

Labcorp Genetics (formerly Invitae), Labcorp
Classification: Likely pathogenic. Last evaluated: 2025-10-12. Review status: criteria provided, single submitter. Criteria: Invitae Variant Classification Sherloc (09022015). Collection method: clinical testing. Allele origin: germline.
Comment: This sequence change affects a donor splice site in intron 8 of the KIZ gene. It is expected to disrupt RNA splicing. Variants that disrupt the donor or acceptor splice site typically lead to a loss of protein function (PMID: 16199547), and loss-of-function variants in KIZ are known to be pathogenic (PMID: 24680887, 29057815). This variant is present in population databases (rs750369135, gnomAD 0.1%). Disruption of this splice site has been observed in individual(s) with clinical features of retinitis pigmentosa (internal data). ClinVar contains an entry for this variant (Variation ID: 1028115). Algorithms developed to predict the effect of sequence changes on RNA splicing suggest that this variant may disrupt the consensus splice site. In summary, the currently available evidence indicates that the variant is pathogenic, but additional data are needed to prove that conclusively. Therefore, this variant has been classified as Likely Pathogenic.

PreventionGenetics, part of Exact Sciences
Classification: Likely pathogenic for KIZ-related condition. Last evaluated: 2025-05-21. Review status: criteria provided, single submitter. Criteria: ACMG Guidelines, 2015. Collection method: clinical testing. Allele origin: germline.
Comment: The KIZ c.1612+2T>G variant is predicted to disrupt the GT donor site and interfere with normal splicing. To our knowledge, this variant has not been reported in the literature. This variant is reported in 0.14% of alleles in individuals of Latino descent in gnomAD. Variants that disrupt the consensus splice donor site in KIZ are expected to be pathogenic. This variant is interpreted as likely pathogenic.

3billion
Classification: Likely pathogenic for Retinitis pigmentosa 69. Last evaluated: 2025-04-19. Review status: criteria provided, single submitter. Criteria: ACMG Guidelines, 2015. Collection method: clinical testing. Allele origin: germline. Affected: yes.

Blueprint Genetics
Classification: Likely pathogenic for KIZ-related disorders. Last evaluated: 2024-06-10. Review status: criteria provided, single submitter. Criteria: ACMG Guidelines, 2015. Collection method: clinical testing. Allele origin: germline. Affected: yes. Observed: 5 variant alleles.

Literature cited by the submitters: PubMed 16199547 (cited by Labcorp Genetics (formerly Invitae), Labcorp); PubMed 24680887 (cited by Labcorp Genetics (formerly Invitae), Labcorp); PubMed 29057815 (cited by Labcorp Genetics (formerly Invitae), Labcorp).